The following is an entry in ClinVar:

NM_001365276.2(TNXB):c.9279G>A (p.Gln3093=)

Gene: TNXB (tenascin XB; minus strand). Cytogenetic location: 6p21.33.
Variant type: single nucleotide variant.
Coding change: c.9279G>A on transcript NM_001365276.2 (MANE Select); coding-DNA position 9279, G replaced by A.
Protein change: p.Gln3093=; no amino-acid change (glutamine 3093 retained).
Molecular consequence: synonymous variant.
Genome position (GRCh38, 1-based): chr6:32,050,158, C>T on the plus strand (G>A on the coding strand, the complement: TNXB is on the minus strand). VCF-style: chr6-32050158-C-T. GRCh37 (hg19) VCF-style: chr6-32017935-C-T.
Other names: c.9273G>A, p.Gln3091= (NM_019105.8).
Identifiers: ClinVar variation 2565706 (VCV002565706.2), dbSNP rs755470483, ClinGen allele CA3733578.

ClinVar aggregate classification (germline): Uncertain significance (1 of 4 stars; one submission).

Conditions:
Cardiovascular phenotype. Identifiers: MedGen CN230736.

Allele frequency attached by ClinVar (database versions not stated): TOPMed 0.00001; ExAC 0.00003.
gnomAD v4.1: 7 of 1,613,900 alleles (0.00043%); highest among the groups gnomAD compares: East Asian, 0.013%; no homozygotes.

Submission:

Ambry Genetics
Classification: Uncertain significance for Cardiovascular phenotype. Last evaluated: 2023-03-30. Review status: criteria provided, single submitter. Criteria: Ambry Variant Classification Scheme 2023. Collection method: clinical testing. Allele origin: germline.
Comment: The c.9273G>A variant (also known as p.Q3091Q), located in coding exon 26 of the TNXB gene, results from a G to A substitution at nucleotide position 9273. This nucleotide substitution does not change the glutamine at codon 3091. This nucleotide position is well conserved in available vertebrate species. In silico splice site analysis predicts that this alteration may result in the creation or strengthening of a novel splice acceptor site. Since supporting evidence is limited at this time, the clinical significance of this alteration remains unclear.